The following is an entry in ClinVar:

NM_004006.3(DMD):c.264+10A>G

Gene: DMD (dystrophin; minus strand). Cytogenetic location: Xp21.1.
Variant type: single nucleotide variant.
Coding change: c.264+10A>G on transcript NM_004006.3 (MANE Select); 10 bases into the intron after coding-DNA position 264, A replaced by G.
Molecular consequence: intron variant.
Genome position (GRCh38, 1-based): chrX:32,844,773, T>C on the plus strand (A>G on the coding strand, the complement: DMD is on the minus strand). VCF-style: chrX-32844773-T-C. GRCh37 (hg19) VCF-style: chrX-32862890-T-C.
Other names: c.240+10A>G (NM_000109.4); c.252+10A>G (NM_004009.3); c.-106+10A>G (NM_004010.3); c.264+10A>G (NM_004006.2).
Identifiers: ClinVar variation 1938083 (VCV001938083.6), dbSNP rs1489424257, ClinGen allele CA874786018.

ClinVar aggregate classification (germline): Likely benign. Review status: criteria provided, multiple submitters, no conflicts (2 of 4 stars). 2 submissions from 2 submitters: Likely benign (2). Last evaluated 2025-04-09.

Conditions:
Duchenne muscular dystrophy (DMD). Also called: MUSCULAR DYSTROPHY, PSEUDOHYPERTROPHIC PROGRESSIVE, DUCHENNE TYPE; Duchenne Muscular Dystrophy (DMD). Identifiers: Orphanet 98896, MedGen C0013264, MONDO:0010679, OMIM 310200.

Allele frequency attached by ClinVar (database versions not stated): TOPMed below 0.00001; gnomAD 0.00001.
gnomAD v4.1: 2 of 1,200,366 alleles (0.00017%); highest among the groups gnomAD compares: East Asian, 0.0059%; no homozygotes.

Submissions (2):

Molecular Diagnostic Laboratory for Inherited Cardiovascular Disease, Montreal Heart Institute
Classification: Likely benign. Last evaluated: 2025-04-09. Review status: criteria provided, single submitter. Criteria: ACMG Guidelines, 2015. Collection method: clinical testing. Allele origin: germline. Affected: no.
Comment: BP6

Labcorp Genetics (formerly Invitae), Labcorp
Classification: Likely benign for Duchenne muscular dystrophy. Last evaluated: 2022-02-23. Review status: criteria provided, single submitter. Criteria: Invitae Variant Classification Sherloc (09022015). Collection method: clinical testing. Allele origin: germline.